The following is an entry in ClinVar:

NM_001734.5(C1S):c.1715G>A (p.Arg572Gln)

Gene: C1S (complement C1s; plus strand). Cytogenetic location: 12p13.31.
Variant type: single nucleotide variant.
Coding change: c.1715G>A on transcript NM_001734.5 (MANE Select); coding-DNA position 1715, G replaced by A.
Protein change: p.Arg572Gln; replaces arginine 572 with glutamine.
Molecular consequence: missense variant.
Genome position (GRCh38, 1-based): chr12:7,070,299, G>A. VCF-style: chr12-7070299-G-A. GRCh37 (hg19) VCF-style: chr12-7177603-G-A.
Other names: c.1214G>A, p.Arg405Gln (NM_001346850.2); c.1715G>A, p.Arg572Gln (NM_201442.4); c.1715G>A (NM_201442.2); short protein forms R405Q, R572Q.
Identifiers: ClinVar variation 3391342 (VCV003391342.5).
Genomic context (GRCh38, chr12:7,070,299, plus strand): 5'-GCACCTCTTCCGACTACAACCTCATGGATGGGGACCTGGGACTGATCTCAGGCTGGGGCC[G>A]AACAGAGAAGAGAGATCGTGCTGTTCGCCTCAAGGCGGCAAGGTTACCTGTAGCTCCTTT-3'
Protein context (NP_001725.1, residues 562-582): GDLGLISGWG[Arg572Gln]TEKRDRAVRL

ClinVar aggregate classification (germline): Uncertain significance. Review status: criteria provided, multiple submitters, no conflicts (2 of 4 stars). 4 submissions from 4 submitters: Uncertain significance (4). Last evaluated 2026-09-01.

Conditions:
Ehlers-Danlos syndrome, periodontal type 2. Identifiers: MedGen C4310681, MONDO:0014954, OMIM 617174.
Inborn genetic diseases. Identifiers: MedGen C0950123, MeSH D030342.

Submissions (4):

CeGaT Center for Human Genetics Tuebingen
Classification: Uncertain significance. Last evaluated: 2026-09-01. Review status: criteria provided, single submitter. Criteria: CeGaT Center For Human Genetics Tuebingen Variant Classification Criteria Version 2. Collection method: clinical testing. Allele origin: germline. Affected: yes. Observed: 1 variant allele.
Comment: C1S: PM2, BP4

Labcorp Genetics (formerly Invitae), Labcorp
Classification: Uncertain significance. Last evaluated: 2025-12-18. Review status: criteria provided, single submitter. Criteria: Invitae Variant Classification Sherloc (09022015). Collection method: clinical testing. Allele origin: germline.
Comment: This sequence change replaces arginine, which is basic and polar, with glutamine, which is neutral and polar, at codon 572 of the C1S protein (p.Arg572Gln). This variant is present in population databases (no rsID available, gnomAD 0.003%). This variant has not been reported in the literature in individuals affected with C1S-related conditions. ClinVar contains an entry for this variant (Variation ID: 3391342). Invitae Evidence Modeling of protein sequence and biophysical properties (such as structural, functional, and spatial information, amino acid conservation, physicochemical variation, residue mobility, and thermodynamic stability) indicates that this missense variant is not expected to disrupt C1S protein function with a negative predictive value of 80%. In summary, the available evidence is currently insufficient to determine the role of this variant in disease. Therefore, it has been classified as a Variant of Uncertain Significance.

Ambry Genetics
Classification: Uncertain significance for Inborn genetic diseases. Last evaluated: 2025-09-26. Review status: criteria provided, single submitter. Criteria: Ambry Variant Classification Scheme 2023. Collection method: clinical testing. Allele origin: germline.

Neuberg Centre For Genomic Medicine, NCGM
Classification: Uncertain significance for Ehlers-Danlos syndrome, periodontal type 2. Last evaluated: 2023-07-22. Review status: criteria provided, single submitter. Criteria: ACMG Guidelines, 2015. Collection method: clinical testing. Allele origin: germline. Inheritance: Autosomal dominant inheritance. Affected: yes.
Comment: The missense variant c.1715G>Ap.Arg572Gln in C1S gene has not been reported previously as a pathogenic variant nor as a benign variant, to our knowledge. The observed variant has allele frequency of 0.001% in gnomAD exomes database. This variant has not been submitted to the ClinVar database. Multiple lines of computational evidence Polyphen - benign, SIFT - tolerated and MutationTaster - polymorphism predicts no damaging effect on protein structure and function for this variant. The amino acid Arg at position 572 is changed to a Gln changing protein sequence and it might alter its composition and physico-chemical properties. For these reasons, this variant has been classified as Uncertain Significance VUS.